The following is an entry in ClinVar:

ClinVar aggregate classification (germline): Uncertain significance (1 of 4 stars; one submission).

Conditions:
Ataxia-telangiectasia syndrome (AT). Also called: AT, COMPLEMENTATION GROUP C; Ataxia-telangiectasia, complementation group D; Cerebello-oculocutaneous telangiectasia; Immunodeficiency with ataxia telangiectasia; LOUIS-BAR SYNDROME; Ataxia telangiectasia (A-T). Identifiers: Orphanet 100, MedGen C0004135, MONDO:0008840, OMIM 208900.

Submission:

Labcorp Genetics (formerly Invitae), Labcorp
Classification: Uncertain significance for Ataxia-telangiectasia syndrome. Last evaluated: 2025-09-27. Review status: criteria provided, single submitter. Criteria: Invitae Variant Classification Sherloc (09022015). Collection method: clinical testing. Allele origin: germline.
Comment: This sequence change replaces lysine, which is basic and polar, with glutamic acid, which is acidic and polar, at codon 1434 of the ATM protein (p.Lys1434Glu). This variant is not present in population databases (gnomAD no frequency). This variant has not been reported in the literature in individuals affected with ATM-related conditions. Invitae Evidence Modeling of protein sequence and biophysical properties (such as structural, functional, and spatial information, amino acid conservation, physicochemical variation, residue mobility, and thermodynamic stability) indicates that this missense variant is not expected to disrupt ATM protein function with a negative predictive value of 95%. In summary, the available evidence is currently insufficient to determine the role of this variant in disease. Therefore, it has been classified as a Variant of Uncertain Significance.

NM_000051.4(ATM):c.4300A>G (p.Lys1434Glu)

Gene: ATM (ATM serine/threonine kinase; plus strand). Cytogenetic location: 11q22.3.
Variant type: single nucleotide variant.
Coding change: c.4300A>G on transcript NM_000051.4 (MANE Select); coding-DNA position 4300, A replaced by G.
Protein change: p.Lys1434Glu; replaces lysine 1434 with glutamic acid.
Molecular consequence: missense variant.
Genome position (GRCh38, 1-based): chr11:108,289,665, A>G. VCF-style: chr11-108289665-A-G. GRCh37 (hg19) VCF-style: chr11-108160392-A-G.
Other names: c.4300A>G, p.Lys1434Glu (NM_001351834.2); short protein forms K1434E.
Identifiers: ClinVar variation 4703461 (VCV004703461.1).